The following is an entry in ClinVar:

NM_000465.4(BARD1):c.1998G>T (p.Gln666His)

Gene: BARD1 (BRCA1 associated RING domain 1; minus strand). Cytogenetic location: 2q35.
Variant type: single nucleotide variant.
Coding change: c.1998G>T on transcript NM_000465.4 (MANE Select); coding-DNA position 1998, G replaced by T.
Protein change: p.Gln666His; replaces glutamine 666 with histidine.
Molecular consequence: missense variant. On other transcripts: non-coding transcript variant (3).
Genome position (GRCh38, 1-based): chr2:214,730,414, C>A on the plus strand (G>T on the coding strand, the complement: BARD1 is on the minus strand). VCF-style: chr2-214730414-C-A. GRCh37 (hg19) VCF-style: chr2-215595138-C-A.
Other names: c.1941G>T, p.Gln647His (NM_001282543.2); c.645G>T, p.Gln215His (NM_001282545.2); c.588G>T, p.Gln196His (NM_001282548.2); c.459G>T, p.Gln153His (NM_001282549.2); short protein forms Q666H, Q153H, Q196H, Q215H, Q647H.
Identifiers: ClinVar variation 4196112 (VCV004196112.1).

ClinVar aggregate classification (germline): Uncertain significance (1 of 4 stars; one submission).

Conditions:
Hereditary cancer-predisposing syndrome. Also called: Neoplastic Syndromes, Hereditary; Tumor predisposition; Hereditary Cancer Syndrome; Hereditary neoplastic syndrome. Identifiers: Orphanet 140162, MedGen C0027672, MeSH D009386, MONDO:0015356.

Submission:

Ambry Genetics
Classification: Uncertain significance for Hereditary cancer-predisposing syndrome. Last evaluated: 2025-07-04. Review status: criteria provided, single submitter. Criteria: Ambry Variant Classification Scheme 2023. Collection method: clinical testing. Allele origin: germline.
Comment: The p.Q666H variant (also known as c.1998G>T), located in coding exon 10 of the BARD1 gene, results from a G to T substitution at nucleotide position 1998. The glutamine at codon 666 is replaced by histidine, an amino acid with highly similar properties. This amino acid position is conserved. In addition, this alteration is predicted to be tolerated by in silico analysis. Based on the available evidence, the clinical significance of this variant remains unclear.